The following is an entry in ClinVar:

NM_022489.4(INF2):c.1810C>T (p.Arg604Ter)

Gene: INF2 (inverted formin 2; plus strand). Cytogenetic location: 14q32.33.
Variant type: single nucleotide variant.
Coding change: c.1810C>T on transcript NM_022489.4 (MANE Select); coding-DNA position 1810, C replaced by T.
Protein change: p.Arg604Ter; replaces arginine 604 with a stop codon.
Molecular consequence: nonsense.
Genome position (GRCh38, 1-based): chr14:104,708,510, C>T. VCF-style: chr14-104708510-C-T. GRCh37 (hg19) VCF-style: chr14-105174847-C-T.
Other names: c.1810C>T, p.Arg604Ter (NM_001031714.4); short protein forms R604*.
Identifiers: ClinVar variation 1311259 (VCV001311259.2), dbSNP rs1260381635, ClinGen allele CA391218646.
Genomic context (GRCh38, chr14:104,708,510, plus strand): 5'-TGGGCGTCCCTGAGCAGCCCCGACGCCGAGGCTGTGGAGCCCGACTTCTCCAGCATCGAG[C>T]GACTATTCTCCTTCCCTGCAGCCAAGCCCAAGGAGCCCACCATGGTGGCCCCCCGGGCCA-3'

ClinVar aggregate classification (germline): Uncertain significance (1 of 4 stars; one submission).

Allele frequency attached by ClinVar (database versions not stated): gnomAD exomes below 0.00001.
gnomAD v4.1: 2 of 1,612,448 alleles (0.00012%); highest among the groups gnomAD compares: South Asian, 0.0011%; no homozygotes.

Submission:

GeneDx
Classification: Uncertain significance. Last evaluated: 2019-12-20. Review status: criteria provided, single submitter. Criteria: GeneDx Variant Classification Process June 2021. Collection method: clinical testing. Allele origin: germline. Affected: yes.
Comment: Nonsense variant predicted to result in protein truncation or nonsense mediated decay in a gene for which loss-of-function is not a known mechanism of disease; Has not been previously published as pathogenic or benign to our knowledge